The following is an entry in ClinVar:

ClinVar aggregate classification (germline): Likely benign. Review status: criteria provided, multiple submitters, no conflicts (2 of 4 stars). 2 submissions from 2 submitters: Likely benign (2). Last evaluated 2025-02-26.

Conditions:
Multiple endocrine neoplasia, type 2 (MEN2). Identifiers: Orphanet 653, MedGen C4048306, MONDO:0019003. Disease mechanism: gain of function.
Multiple endocrine neoplasia type 2A. Also called: Multiple Endocrine Neoplasia Type 2A (MEN2A); MULTIPLE ENDOCRINE NEOPLASIA, TYPE IIA; PTC SYNDROME; SIPPLE SYNDROME; MEN 2A; MEN-2A syndrome. Identifiers: Orphanet 247698, Orphanet 653, MedGen C0025268, MeSH D018813, MONDO:0008234, OMIM 171400.

Allele frequency attached by ClinVar (database versions not stated): gnomAD exomes below 0.00001.
gnomAD v4.1: 5 of 1,605,166 alleles (0.00031%); highest among the groups gnomAD compares: Non-Finnish European, 0.00043%; no homozygotes.

Submissions (2):

Myriad Genetics, Inc.
Classification: Likely benign for Multiple endocrine neoplasia type 2A. Last evaluated: 2025-02-26. Review status: criteria provided, single submitter. Criteria: Myriad Autosomal Dominant, Autosomal Recessive and X-Linked Classification Criteria (2023). Collection method: clinical testing. Allele origin: unknown.
Comment: This variant is considered likely benign. This variant is intronic and is not expected to impact mRNA splicing.

Labcorp Genetics (formerly Invitae), Labcorp
Classification: Likely benign for Multiple endocrine neoplasia, type 2. Last evaluated: 2020-09-02. Review status: criteria provided, single submitter. Criteria: Invitae Variant Classification Sherloc (09022015). Collection method: clinical testing. Allele origin: germline.

NM_020975.6(RET):c.2392+10G>A

Gene: RET (ret proto-oncogene; plus strand). Cytogenetic location: 10q11.21.
Variant type: single nucleotide variant.
Coding change: c.2392+10G>A on transcript NM_020975.6 (MANE Select); 10 bases into the intron after coding-DNA position 2392, G replaced by A.
Molecular consequence: intron variant.
Genome position (GRCh38, 1-based): chr10:43,118,490, G>A. VCF-style: chr10-43118490-G-A. GRCh37 (hg19) VCF-style: chr10-43613938-G-A.
Other names: c.2392+10G>A (NM_020630.7, NM_001406743.1, NM_001406744.1 and 2 more transcripts); c.2257+10G>A (NM_001406765.1, NM_001406763.1); c.1996+10G>A (NM_001406772.1, NM_001406769.1); c.1954+10G>A (NM_001406773.1, NM_001406771.1); c.1495+10G>A (NM_001406782.1, NM_001406780.1, NM_001406779.1 and 1 more transcripts); c.1360+10G>A (NM_001406787.1); c.1375+10G>A (NM_001406785.1); c.2263+10G>A (NM_001406764.1, NM_001406762.1, NM_001406761.1); and 10 more.
Identifiers: ClinVar variation 794208 (VCV000794208.12), dbSNP rs773999299, ClinGen allele CA915945888.